The following is an entry in ClinVar:

NM_001267550.2(TTN):c.47573-74_47573-71del

Genes: TTN (titin; minus strand), TTN-AS1 (TTN antisense RNA 1; plus strand). Cytogenetic location: 2q31.2.
Variant type: Deletion.
Coding change: c.47573-74_47573-71del on transcript NM_001267550.2 (MANE Select); 74 bases into the intron before coding-DNA position 47573 through 71 bases into the intron before coding-DNA position 47573, 4 bases deleted (AATT; older notation c.47573-74_47573-71delAATT).
Molecular consequence: intron variant.
Genome position (GRCh38, 1-based): chr2:178,617,583-178,617,586, AATT deleted on the plus strand (AATT on the coding strand, the reverse complement: TTN is on the minus strand); deleting any 4 consecutive bases within chr2:178,617,583-178,617,587 gives the same sequence; the c. name uses the placement nearest the transcript's 3' end. VCF-style (leftmost placement, unchanged base first): chr2-178617582-CAATT-C. GRCh37 (hg19) VCF-style: chr2-179482309-CAATT-C.
Other names: c.20378-74_20378-71del (NM_003319.4); c.20954-74_20954-71del (NM_133437.4); c.20753-74_20753-71del (NM_133432.3); c.39869-74_39869-71del (NM_133378.4); c.42650-74_42650-71del (NM_001256850.1); c.42650-74_42650-71delAATT (NM_001256850.1).
Identifiers: ClinVar variation 675416 (VCV000675416.1), dbSNP rs3835071, ClinGen allele CA60990246.

ClinVar aggregate classification (germline): Benign (1 of 4 stars; one submission).

Submission:

GeneDx
Classification: Benign. Last evaluated: 2018-06-14. Review status: criteria provided, single submitter. Criteria: GeneDx Variant Classification (06012015). Collection method: clinical testing. Allele origin: germline. Affected: yes.
Comment: This variant is considered likely benign or benign based on one or more of the following criteria: it is a conservative change, it occurs at a poorly conserved position in the protein, it is predicted to be benign by multiple in silico algorithms, and/or has population frequency not consistent with disease.